The following is an entry in ClinVar:

NM_001039591.3(USP9X):c.7469C>T (p.Ser2490Leu)

Gene: USP9X (ubiquitin specific peptidase 9 X-linked; plus strand). Cytogenetic location: Xp11.4.
Variant type: single nucleotide variant.
Coding change: c.7469C>T on transcript NM_001039591.3 (MANE Select); coding-DNA position 7469, C replaced by T.
Protein change: p.Ser2490Leu; replaces serine 2490 with leucine.
Molecular consequence: missense variant.
Genome position (GRCh38, 1-based): chrX:41,230,538, C>T. VCF-style: chrX-41230538-C-T. GRCh37 (hg19) VCF-style: chrX-41089791-C-T.
Other names: c.7517C>T (NM_001039590.2); c.7517C>T, p.Ser2506Leu (NM_001039590.3); c.7532C>T, p.Ser2511Leu (NM_001410748.1); c.7484C>T, p.Ser2495Leu (NM_001410749.1); short protein forms S2506L, S2511L, S2490L, S2495L.
Identifiers: ClinVar variation 3669301 (VCV003669301.2).

ClinVar aggregate classification (germline): Uncertain significance. Review status: criteria provided, multiple submitters, no conflicts (2 of 4 stars). 2 submissions from 2 submitters: Uncertain significance (2). Last evaluated 2025-08-11.

gnomAD v4.1: 1 of 1,210,747 alleles (0.000083%); highest among the groups gnomAD compares: Non-Finnish European, 0.00011%; no homozygotes.

Submissions (2):

GeneDx
Classification: Uncertain significance. Last evaluated: 2025-08-11. Review status: criteria provided, single submitter. Criteria: GeneDx Variant Classification Process June 2021. Collection method: clinical testing. Allele origin: germline. Affected: yes.
Comment: Not observed at significant frequency in large population cohorts (gnomAD); In silico analysis suggests that this missense variant does not alter protein structure/function; Has not been previously published as pathogenic or benign to our knowledge

Labcorp Genetics (formerly Invitae), Labcorp
Classification: Uncertain significance. Last evaluated: 2025-04-17. Review status: criteria provided, single submitter. Criteria: Invitae Variant Classification Sherloc (09022015). Collection method: clinical testing. Allele origin: germline.
Comment: This sequence change replaces serine, which is neutral and polar, with leucine, which is neutral and non-polar, at codon 2506 of the USP9X protein (p.Ser2506Leu). This variant is not present in population databases (gnomAD no frequency). This variant has not been reported in the literature in individuals affected with USP9X-related conditions. ClinVar contains an entry for this variant (Variation ID: 3669301). An algorithm developed to predict the effect of missense changes on protein structure and function (PolyPhen-2) suggests that this variant is likely to be tolerated. In summary, the available evidence is currently insufficient to determine the role of this variant in disease. Therefore, it has been classified as a Variant of Uncertain Significance.